The following is an entry in ClinVar:

NM_005257.6(GATA6):c.1135+1G>A

Gene: GATA6 (GATA binding protein 6; plus strand). Cytogenetic location: 18q11.2.
Variant type: single nucleotide variant.
Coding change: c.1135+1G>A on transcript NM_005257.6 (MANE Select); the canonical splice donor site of the intron after coding-DNA position 1135, G replaced by A.
Molecular consequence: splice donor variant.
Genome position (GRCh38, 1-based): chr18:22,172,280, G>A. VCF-style: chr18-22172280-G-A. GRCh37 (hg19) VCF-style: chr18-19752241-G-A.
Identifiers: ClinVar variation 3899338 (VCV003899338.2).
Genomic context (GRCh38, chr18:22,172,280, plus strand): 5'-TGCACAGCCTGCAGAGCCGCGCCGGAGCCCCGCTCCCGGTGCCCCGGGGTCCCAGTGCAG[G>A]TAAGGGTCGCGCCTCAGGTTCGGGGTGCGGGTCCAAAGCGCTGGGGCGCACGGGGGACGT-3'

ClinVar aggregate classification (germline): Likely pathogenic (1 of 4 stars; one submission).

Conditions:
Heart defects, congenital, and other congenital anomalies. Also called: PANCREATIC HYPOPLASIA, CONGENITAL, WITH DIABETES MELLITUS AND CONGENITAL HEART DISEASE; Pancreatic hypoplasia-diabetes-congenital heart disease syndrome. Identifiers: Orphanet 2255, MedGen C2931296, MONDO:0010802, OMIM 600001.
Atrioventricular septal defect 5 (AVSD5). Identifiers: MedGen C3280939, MONDO:0013769, OMIM 614474.
Atrial septal defect 9 (ASD9). Identifiers: Orphanet 1478, MedGen C3280943, MONDO:0013770, OMIM 614475.
Tetralogy of Fallot (TOF). Identifiers: Orphanet 3303, MedGen C0039685, MONDO:0008542, OMIM 187500, HP:0001636.
Conotruncal heart malformations (CTHM). Also called: Conotruncal heart malformations, variable. Identifiers: Orphanet 2445, Orphanet 3384, Orphanet 3426, MedGen C1857586, MONDO:0016581, OMIM 217095.

Submission:

Juno Genomics, Hangzhou Juno Genomics, Inc
Classification: Likely pathogenic for Atrial septal defect 9; Atrioventricular septal defect 5; Heart defects, congenital, and other congenital anomalies; Conotruncal heart malformations; Tetralogy of Fallot. Review status: criteria provided, single submitter. Criteria: ACMG Guidelines, 2015. Collection method: clinical testing. Allele origin: germline. Affected: yes.
Comment: Absent from controls (or at extremely low frequency if recessive) in Genome Aggregation Database, Exome Sequencing Project, 1000 Genomes Project, or Exome Aggregation Consortium.;Null variant in a gene where loss of function (LOF) is a known mechanism of disease.